The following is an entry in ClinVar:

ClinVar aggregate classification (germline): Uncertain significance (1 of 4 stars; one submission).

Conditions:
Inborn genetic diseases. Identifiers: MedGen C0950123, MeSH D030342.

Submission:

Ambry Genetics
Classification: Uncertain significance for Inborn genetic diseases. Last evaluated: 2026-01-13. Review status: criteria provided, single submitter. Criteria: Ambry Variant Classification Scheme 2023. Collection method: clinical testing. Allele origin: germline.
Comment: The c.339G>C (p.W113C) alteration is located in exon 1 (coding exon 1) of the MAB21L2 gene. This alteration results from a G to C substitution at nucleotide position 339, causing the tryptophan (W) at amino acid position 113 to be replaced by a cysteine (C). This variant was not reported in population-based cohorts in the Genome Aggregation Database (gnomAD). This amino acid position is highly conserved in available vertebrate species. The in silico prediction for this alteration is inconclusive. Based on insufficient or conflicting evidence, the clinical significance of this alteration remains unclear.

NM_006439.5(MAB21L2):c.339G>C (p.Trp113Cys)

Genes: LRBA (LPS responsive beige-like anchor protein; minus strand), MAB21L2 (mab-21 like 2; plus strand). Cytogenetic location: 4q31.3.
Variant type: single nucleotide variant.
Coding change: c.339G>C on transcript NM_006439.5 (MANE Select); coding-DNA position 339, G replaced by C.
Protein change: p.Trp113Cys; replaces tryptophan 113 with cysteine.
Molecular consequence: missense variant. On other transcripts: intron variant (6).
Genome position (GRCh38, 1-based): chr4:150,583,368, G>C. VCF-style: chr4-150583368-G-C. GRCh37 (hg19) VCF-style: chr4-151504520-G-C.
Other names: c.6330+4680C>G (NM_001367550.1, NM_001199282.3, NM_001364905.1 and 1 more transcripts); c.6363+4680C>G (NM_006726.5, NM_001440430.1); short protein forms W113C.
Identifiers: ClinVar variation 4839145 (VCV004839145.1).